The following is an entry in ClinVar:

NM_001042517.2(DIAPH3):c.2581G>A (p.Gly861Arg)

Gene: DIAPH3 (diaphanous related formin 3; minus strand). Cytogenetic location: 13q21.2.
Variant type: single nucleotide variant.
Coding change: c.2581G>A on transcript NM_001042517.2 (MANE Select); coding-DNA position 2581, G replaced by A.
Protein change: p.Gly861Arg; replaces glycine 861 with arginine.
Molecular consequence: missense variant.
Genome position (GRCh38, 1-based): chr13:59,879,255, C>T on the plus strand (G>A on the coding strand, the complement: DIAPH3 is on the minus strand). VCF-style: chr13-59879255-C-T. GRCh37 (hg19) VCF-style: chr13-60453389-C-T.
Other names: c.2548G>A, p.Gly850Arg (NM_001258366.2); c.2443G>A, p.Gly815Arg (NM_001258367.2); c.2371G>A, p.Gly791Arg (NM_001258368.2); c.2581G>A, p.Gly861Arg (NM_001258369.2); c.1792G>A, p.Gly598Arg (NM_001258370.2, NM_030932.4); short protein forms G791R, G850R, G861R, G598R, G815R.
Identifiers: ClinVar variation 4989186 (VCV004989186.1).

ClinVar aggregate classification (germline): Uncertain significance (1 of 4 stars; one submission).

Conditions:
DIAPH3-related disorder. Also called: DIAPH3-related condition.

gnomAD v4.1: 13 of 1,613,462 alleles (0.00081%); highest among the groups gnomAD compares: Non-Finnish European, 0.001%; no homozygotes.

Submission:

PreventionGenetics, part of Exact Sciences
Classification: Uncertain significance for DIAPH3-related condition. Last evaluated: 2026-01-30. Review status: criteria provided, single submitter. Criteria: ACMG Guidelines, 2015. Collection method: clinical testing. Allele origin: germline.
Comment: The DIAPH3 c.2581G>A variant is predicted to result in the amino acid substitution p.Gly861Arg. To our knowledge, this variant has not been reported in the literature. This variant is reported in 0.00088% of alleles in individuals of European (Non-Finnish) descent in gnomAD. At this time, the clinical significance of this variant is uncertain due to the absence of conclusive functional and genetic evidence.